The following is an entry in ClinVar:

ClinVar aggregate classification (germline): Uncertain significance (1 of 4 stars; one submission).

Conditions:
Severe combined immunodeficiency, autosomal recessive, T cell-negative, B cell-negative, NK cell-positive. Also called: SCID, AR, T-cell negative, B-cell negative, NK cell-positive; SCID, T CELL-NEGATIVE, B CELL-NEGATIVE, NK CELL-POSITIVE; Severe combined immunodeficiency due to complete RAG1/2 deficiency. Identifiers: Orphanet 331206, MedGen C1832322, MONDO:0011086, OMIM 601457.
Combined immunodeficiency with skin granulomas. Identifiers: Orphanet 157949, MedGen C2673536, MONDO:0009306, OMIM 233650.

Allele frequency attached by ClinVar (database versions not stated): gnomAD exomes below 0.00001; gnomAD 0.00001; TOPMed 0.00001.
gnomAD v4.1: 5 of 1,614,100 alleles (0.00031%); highest among the groups gnomAD compares: Admixed American, 0.0033%; no homozygotes.

Submission:

Labcorp Genetics (formerly Invitae), Labcorp
Classification: Uncertain significance for Combined immunodeficiency with skin granulomas; Severe combined immunodeficiency, autosomal recessive, T cell-negative, B cell-negative, NK cell-positive. Last evaluated: 2021-08-27. Review status: criteria provided, single submitter. Criteria: Invitae Variant Classification Sherloc (09022015). Collection method: clinical testing. Allele origin: germline.
Comment: This sequence change replaces alanine with serine at codon 834 of the RAG1 protein (p.Ala834Ser). The alanine residue is highly conserved and there is a moderate physicochemical difference between alanine and serine. This variant is not present in population databases (ExAC no frequency). This variant has not been reported in the literature in individuals affected with RAG1-related conditions. Algorithms developed to predict the effect of missense changes on protein structure and function are either unavailable or do not agree on the potential impact of this missense change (SIFT: "Tolerated"; PolyPhen-2: "Probably Damaging"; Align-GVGD: "Class C0"). In summary, the available evidence is currently insufficient to determine the role of this variant in disease. Therefore, it has been classified as a Variant of Uncertain Significance.

NM_000448.3(RAG1):c.2500G>T (p.Ala834Ser)

Gene: RAG1 (recombination activating 1; plus strand). Cytogenetic location: 11p12.
Variant type: single nucleotide variant.
Coding change: c.2500G>T on transcript NM_000448.3 (MANE Select); coding-DNA position 2500, G replaced by T.
Protein change: p.Ala834Ser; replaces alanine 834 with serine.
Molecular consequence: missense variant.
Genome position (GRCh38, 1-based): chr11:36,575,804, G>T. VCF-style: chr11-36575804-G-T. GRCh37 (hg19) VCF-style: chr11-36597354-G-T.
Other names: c.2500G>T, p.Ala834Ser (NM_001377277.1, NM_001377278.1, NM_001377279.1 and 1 more transcripts); short protein forms A834S.
Identifiers: ClinVar variation 469112 (VCV000469112.8), dbSNP rs1215266586, ClinGen allele CA380154862.
Genomic context (GRCh38, chr11:36,575,804, plus strand): 5'-GAGATAGGGGAAGTGTATAAGAATCCCAATGCTTCCAAAGAGGAAAGGAAAAGGTGGCAG[G>T]CCACACTGGACAAGCATCTCCGGAAGAAGATGAACCTCAAACCAATCATGAGGATGAATG-3'
Protein context (NP_000439.2, residues 824-844): ASKEERKRWQ[Ala834Ser]TLDKHLRKKM